The following is an entry in ClinVar:

NM_017763.6(RNF43):c.640C>G (p.Leu214Val)

Gene: RNF43 (ring finger protein 43; minus strand). Cytogenetic location: 17q22.
Variant type: single nucleotide variant.
Coding change: c.640C>G on transcript NM_017763.6 (MANE Select); coding-DNA position 640, C replaced by G.
Protein change: p.Leu214Val; replaces leucine 214 with valine.
Molecular consequence: missense variant.
Genome position (GRCh38, 1-based): chr17:58,362,591, G>C on the plus strand (C>G on the coding strand, the complement: RNF43 is on the minus strand). VCF-style: chr17-58362591-G-C. GRCh37 (hg19) VCF-style: chr17-56439952-G-C.
Other names: c.640C>G, p.Leu214Val (NM_001305544.3); c.259C>G, p.Leu87Val (NM_001305545.2); c.640C>G (NM_017763.4); short protein forms L214V, L87V.
Identifiers: ClinVar variation 859220 (VCV000859220.23), dbSNP rs200626293, ClinGen allele CA8673361.

ClinVar aggregate classification (germline): Uncertain significance. Review status: criteria provided, multiple submitters, no conflicts (2 of 4 stars). 7 submissions from 7 submitters: Uncertain significance (7). Last evaluated 2025-12-29.

Conditions:
Sessile serrated polyposis cancer syndrome (SSPCS). Identifiers: Orphanet 157798, MedGen C4310714, MONDO:0014919, OMIM 617108.
Hereditary cancer-predisposing syndrome. Also called: Tumor predisposition; Neoplastic Syndromes, Hereditary; Hereditary neoplastic syndrome; Hereditary Cancer Syndrome. Identifiers: Orphanet 140162, MedGen C0027672, MeSH D009386, MONDO:0015356.
Hyperplastic polyposis syndrome. Identifiers: Orphanet 157798, MedGen C4296896, MONDO:0015524.

Allele frequency attached by ClinVar (database versions not stated): ExAC 0.00008; gnomAD exomes 0.00011 and 0.00031; gnomAD 0.00014 and 0.00015; TOPMed 0.00016; ESP Exome Variant Server 0.00031.
gnomAD v4.1: 470 of 1,612,242 alleles (0.029%); highest among the groups gnomAD compares: Non-Finnish European, 0.037%; no homozygotes.

Submissions (7):

Labcorp Genetics (formerly Invitae), Labcorp
Classification: Uncertain significance. Last evaluated: 2025-12-29. Review status: criteria provided, single submitter. Criteria: Invitae Variant Classification Sherloc (09022015). Collection method: clinical testing. Allele origin: germline.
Comment: This sequence change replaces leucine, which is neutral and non-polar, with valine, which is neutral and non-polar, at codon 214 of the RNF43 protein (p.Leu214Val). This variant is present in population databases (rs200626293, gnomAD 0.02%). This missense change has been observed in individual(s) with gastrointestinal stromal tumor and serrated polyposis syndrome (PMID: 27582512, 28767289). ClinVar contains an entry for this variant (Variation ID: 859220). An algorithm developed to predict the effect of missense changes on protein structure and function (PolyPhen-2) suggests that this variant is likely to be disruptive. Experimental studies have shown that this missense change affects RNF43 function (PMID: 29330307). In summary, the available evidence is currently insufficient to determine the role of this variant in disease. Therefore, it has been classified as a Variant of Uncertain Significance.

Molecular Pathology, Peter Maccallum Cancer Centre
Classification: Uncertain significance for Hereditary cancer-predisposing syndrome. Last evaluated: 2025-04-28. Review status: criteria provided, single submitter. Criteria: ACMG Guidelines, 2015. Collection method: clinical testing. Allele origin: germline.

GeneDx
Classification: Uncertain significance. Last evaluated: 2025-04-10. Review status: criteria provided, single submitter. Criteria: GeneDx Variant Classification Process June 2021. Collection method: clinical testing. Allele origin: germline.
Comment: Published functional studies demonstrate diminished inhibitory effect on Wnt signalling (PMID: 29330307); Observed in individuals with serrated polyposis or pancreatic cancer (PMID: 28767289, 27582512); In silico analysis indicates that this missense variant does not alter protein structure/function; This variant is associated with the following publications: (PMID: 29330307, 27582512, 28767289, 35988960, 34541672, 39125653, 30862463, 39546056)

Center for Genomic Medicine, Rigshospitalet, Copenhagen University Hospital
Classification: Uncertain significance. Last evaluated: 2025-03-04. Review status: criteria provided, single submitter. Criteria: ACMG Guidelines, 2015. Collection method: clinical testing. Allele origin: germline.

Ambry Genetics
Classification: Uncertain significance. Last evaluated: 2024-07-30. Review status: criteria provided, single submitter. Criteria: Ambry Variant Classification Scheme 2023. Collection method: clinical testing. Allele origin: germline.
Comment: The p.L214V variant (also known as c.640C>G), located in coding exon 5 of the RNF43 gene, results from a C to G substitution at nucleotide position 640. The leucine at codon 214 is replaced by valine, an amino acid with highly similar properties. This alteration has been observed in serrated polyposis patients (Buchanan DD et al. Gut, 2017 Jun;66:1170-1172). This amino acid position is well conserved in available vertebrate species. In addition, this alteration is predicted to be tolerated by in silico analysis. Based on the available evidence, the clinical significance of this variant remains unclear.

Baylor Genetics
Classification: Uncertain significance for Sessile serrated polyposis cancer syndrome. Last evaluated: 2024-03-24. Review status: criteria provided, single submitter. Criteria: ACMG Guidelines, 2015. Collection method: clinical testing. Allele origin: unknown.

Department of Pathology and Laboratory Medicine, Sinai Health System
Classification: Uncertain significance for Hyperplastic polyposis syndrome. Last evaluated: 2023-09-25. Review status: criteria provided, single submitter. Criteria: ACMG Guidelines, 2015. Collection method: clinical testing. Allele origin: germline. Affected: yes.

Literature cited by the submitters: PubMed 27582512 (cited by 4 submitters); PubMed 28767289 (cited by Labcorp Genetics (formerly Invitae), Labcorp and Department of Pathology and Laboratory Medicine, Sinai Health System); PubMed 29330307 (cited by Labcorp Genetics (formerly Invitae), Labcorp and Center for Genomic Medicine, Rigshospitalet, Copenhagen University Hospital); PubMed 30862463 (cited by Ambry Genetics).